The following is an entry in ClinVar:

ClinVar aggregate classification (germline): Conflicting classifications of pathogenicity. Review status: criteria provided, conflicting classifications (1 of 4 stars). 3 submissions from 3 submitters: Uncertain significance (2); Likely benign (1). Last evaluated 2025-09-27.

Conditions:
Cardiovascular phenotype. Identifiers: MedGen CN230736.
Long QT syndrome (LQTS). Identifiers: MedGen C0023976, MeSH D008133, MONDO:0002442. Disease mechanism: loss of function. Inheritance: Various modes of inheritance.

Allele frequency attached by ClinVar (database versions not stated): gnomAD exomes below 0.00001; gnomAD 0.00001; TOPMed 0.00003.
gnomAD v4.1: 8 of 1,613,846 alleles (0.0005%); highest among the groups gnomAD compares: African/African-American, 0.0053%; no homozygotes.

Submissions (3):

Labcorp Genetics (formerly Invitae), Labcorp
Classification: Likely benign for Long QT syndrome. Last evaluated: 2025-09-27. Review status: criteria provided, single submitter. Criteria: Invitae Variant Classification Sherloc (09022015). Collection method: clinical testing. Allele origin: germline.

Ambry Genetics
Classification: Uncertain significance for Cardiovascular phenotype. Last evaluated: 2025-08-12. Review status: criteria provided, single submitter. Criteria: Ambry Variant Classification Scheme 2023. Collection method: clinical testing. Allele origin: germline.
Comment: The p.I1074V variant (also known as c.3220A>G), located in coding exon 26 of the CACNA1C gene, results from an A to G substitution at nucleotide position 3220. The isoleucine at codon 1074 is replaced by valine, an amino acid with highly similar properties. This missense alteration is located in a region that has a low rate of benign missense variation (Lek M et al. Nature. 2016 Aug 18;536(7616):285-91; DECIPHER: Database of Chromosomal Imbalance and Phenotype in Humans using Ensembl Resources. Firth H.V. et al. 2009. Am.J.Hum.Genet. 84, 524-533 (DOI)). This amino acid position is highly conserved in available vertebrate species. In addition, the in silico prediction for this alteration is inconclusive. Since supporting evidence is limited at this time, the clinical significance of this alteration remains unclear.

GeneDx
Classification: Uncertain significance. Last evaluated: 2016-11-02. Review status: criteria provided, single submitter. Criteria: GeneDx Variant Classification (06012015). Collection method: clinical testing. Allele origin: germline. Affected: yes.
Comment: A variant of uncertain significance has been identified in the CACNA1C gene. The I1074V variant has not been published as a pathogenic variant or been reported as a benign variant to our knowledge. This variant was not observed in approximately 6,300 individuals of European and African American ancestry in the NHLBI Exome Sequencing Project or in the Exome Aggregation Consortium (ExAC) data set, indicating it is not a common benign variant in these populations. Nevertheless, the I1074V variant is a conservative amino acid substitution, which is not likely to impact secondary protein structure as these residues share similar properties. Although this substitution occurs at a position that is conserved across species, V1074 is tolerated in at least one species. Additionally, in silico analysis is inconsistent in its predictions as to whether or not the variant is damaging to the protein structure/function.Therefore, based on the currently available information, it is unclear whether this variant is pathogenic or benign. This result cannot be interpreted for diagnosis or used for family member screening at this time.

NM_000719.7(CACNA1C):c.3220A>G (p.Ile1074Val)

Gene: CACNA1C (calcium voltage-gated channel subunit alpha1 C; plus strand). Cytogenetic location: 12p13.33.
Variant type: single nucleotide variant.
Coding change: c.3220A>G on transcript NM_000719.7 (MANE Select); coding-DNA position 3220, A replaced by G.
Protein change: p.Ile1074Val; replaces isoleucine 1074 with valine.
Molecular consequence: missense variant.
Genome position (GRCh38, 1-based): chr12:2,606,994, A>G. VCF-style: chr12-2606994-A-G. GRCh37 (hg19) VCF-style: chr12-2716160-A-G.
Other names: p.I1074V:ATC>GTC; c.3220A>G, p.Ile1074Val (NM_001129842.2, NM_001129843.2, NM_001129846.2 and 15 more transcripts); c.3211A>G, p.Ile1071Val (NM_001129844.2); c.3280A>G, p.Ile1094Val (NM_199460.4, NM_001129827.2, NM_001129832.2); short protein forms I1074V, I1094V, I1071V.
Identifiers: ClinVar variation 190703 (VCV000190703.13), dbSNP rs786205779, ClinGen allele CA301751.